The following is an entry in ClinVar:

ClinVar aggregate classification (germline): Uncertain significance (1 of 4 stars; one submission).

Conditions:
Familial adenomatous polyposis 1 (FAP1). Also called: FAMILIAL ADENOMATOUS POLYPOSIS 1, ATTENUATED; POLYPOSIS, ADENOMATOUS INTESTINAL. Identifiers: MedGen C2713442, MONDO:0021056, OMIM 175100. Disease mechanism: loss of function.

Submission:

Labcorp Genetics (formerly Invitae), Labcorp
Classification: Uncertain significance for Familial adenomatous polyposis 1. Last evaluated: 2022-10-23. Review status: criteria provided, single submitter. Criteria: Invitae Variant Classification Sherloc (09022015). Collection method: clinical testing. Allele origin: germline.
Comment: This sequence change replaces glycine, which is neutral and non-polar, with valine, which is neutral and non-polar, at codon 2294 of the APC protein (p.Gly2294Val). This variant is not present in population databases (gnomAD no frequency). This variant has not been reported in the literature in individuals affected with APC-related conditions. Advanced modeling of protein sequence and biophysical properties (such as structural, functional, and spatial information, amino acid conservation, physicochemical variation, residue mobility, and thermodynamic stability) performed at Invitae indicates that this missense variant is not expected to disrupt APC protein function. In summary, the available evidence is currently insufficient to determine the role of this variant in disease. Therefore, it has been classified as a Variant of Uncertain Significance.

NM_000038.6(APC):c.6881G>T (p.Gly2294Val)

Gene: APC (APC regulator of Wnt signaling pathway; plus strand). Cytogenetic location: 5q22.2.
Variant type: single nucleotide variant.
Coding change: c.6881G>T on transcript NM_000038.6 (MANE Select); coding-DNA position 6881, G replaced by T.
Protein change: p.Gly2294Val; replaces glycine 2294 with valine.
Molecular consequence: missense variant.
Genome position (GRCh38, 1-based): chr5:112,842,475, G>T. VCF-style: chr5-112842475-G-T. GRCh37 (hg19) VCF-style: chr5-112178172-G-T.
Other names: c.6881G>T, p.Gly2294Val (NM_001127510.3, NM_001354895.2, NM_001407450.1); c.6827G>T, p.Gly2276Val (NM_001127511.3); c.6935G>T, p.Gly2312Val (NM_001354896.2, NM_001407447.1, NM_001407448.1 and 1 more transcripts); c.6911G>T, p.Gly2304Val (NM_001354897.2); c.6806G>T, p.Gly2269Val (NM_001354898.2); c.6797G>T, p.Gly2266Val (NM_001354899.2); c.6758G>T, p.Gly2253Val (NM_001354900.2); c.6704G>T, p.Gly2235Val (NM_001354901.2, NM_001407453.1); and 11 more; short protein forms G1910V, G2011V, G2134V, G2165V, G2168V, G2193V, G2203V, G2211V.
Identifiers: ClinVar variation 1722101 (VCV001722101.6), dbSNP rs1554087820, ClinGen allele CA16036349.
Genomic context (GRCh38, chr5:112,842,475, plus strand): 5'-CCAAGCCATCTGTGAAATCAGAATTAAGCCCTGTTGCCAGGCAGACATCCCAAATAGGTG[G>T]GTCAAGTAAAGCACCTTCTAGATCAGGATCTAGAGATTCGACCCCTTCAAGACCTGCCCA-3'
Protein context (NP_000029.2, residues 2284-2304): PVARQTSQIG[Gly2294Val]SSKAPSRSGS